The following is an entry in ClinVar:

NM_000419.5(ITGA2B):c.1628G>A (p.Arg543Gln)

Gene: ITGA2B (integrin subunit alpha 2b; minus strand). Cytogenetic location: 17q21.31.
Variant type: single nucleotide variant.
Coding change: c.1628G>A on transcript NM_000419.5 (MANE Select); coding-DNA position 1628, G replaced by A.
Protein change: p.Arg543Gln; replaces arginine 543 with glutamine.
Molecular consequence: missense variant.
Genome position (GRCh38, 1-based): chr17:44,380,126, C>T on the plus strand (G>A on the coding strand, the complement: ITGA2B is on the minus strand). VCF-style: chr17-44380126-C-T. GRCh37 (hg19) VCF-style: chr17-42457494-C-T.
Other names: NM_000419.5(ITGA2B):c.1628G>A; p.Arg543Gln; c.1628G>A (NM_000419.4); short protein forms R543Q.
Identifiers: ClinVar variation 892303 (VCV000892303.11), dbSNP rs139770734, ClinGen allele CA8602997.

ClinVar aggregate classification (germline): Uncertain significance. Review status: reviewed by expert panel (3 of 4 stars). 5 submissions from 5 submitters: Uncertain significance (1). 4 of the submissions do not count toward it. Last evaluated 2024-03-07.

Conditions:
Glanzmann thrombasthenia. Also called: THROMBASTHENIA OF GLANZMANN AND NAEGELI; Thrombasthenia; Glanzmann's thrombasthenia; PLATELET GLYCOPROTEIN IIb-IIIa DEFICIENCY. Identifiers: Orphanet 849, MedGen C0040015, MONDO:0100326.
ITGA2B-related disorder. Also called: ITGA2B-related condition; ITGA2B-related disorders.

Allele frequency attached by ClinVar (database versions not stated): TOPMed 0.00010; gnomAD 0.00011 and 0.00013; gnomAD exomes 0.00011 and 0.00013; ExAC 0.00013; 1000 Genomes Project 30x 0.00031; ESP Exome Variant Server 0.00031; 1000 Genomes Project 0.00040.
gnomAD v4.1: 216 of 1,613,838 alleles (0.013%); highest among the groups gnomAD compares: Non-Finnish European, 0.016%; no homozygotes.

Submissions (5):

ClinGen Platelet Disorders Variant Curation Expert Panel, ClinGen
Classification: Uncertain significance for Glanzmann thrombasthenia. Last evaluated: 2024-03-07. Review status: reviewed by expert panel. Criteria: ClinGen Platelet ACMG Specifications v2-1. Collection method: curation. Allele origin: germline. Inheritance: Autosomal recessive inheritance.
Comment: The c.1628G>A variant in ITGA2B is a missense variant predicted to cause substitution of Arginine by Glutamine at amino acid 543 (p.Arg543Gln). The computational predictor REVEL gives a score of 0.206, which is below the ClinGen PD VCEP threshold of <0.25 and predicts no damaging effect on ITGA2B function (BP4). This variant was observed by Illumina as part of a predisposition screen in an ostensibly healthy population, but was not found in the literature in any patient with Glanzmann thrombasthenia. The highest population minor allele frequency in gnomAD v 4.0.0 is 0.0001602 (189/1179970 alleles) in the European (non-Finnish) population. This intermediate allele frequency is lower than the ClinGen PD VCEP threshold (>0.00158) for BS1 but higher than the threshold (<0.0001) for PM2_Supporting. In summary, this variant is classified as uncertain significance based on ACMG/AMP criteria as specified by the PD VCEP: BP4.

Labcorp Genetics (formerly Invitae), Labcorp
Classification: Uncertain significance for Glanzmann thrombasthenia. Last evaluated: 2025-12-01. Review status: criteria provided, single submitter. Criteria: Invitae Variant Classification Sherloc (09022015). Collection method: clinical testing. Allele origin: germline. Not counted in ClinVar's aggregate classification.
Comment: This sequence change replaces arginine, which is basic and polar, with glutamine, which is neutral and polar, at codon 543 of the ITGA2B protein (p.Arg543Gln). This variant is present in population databases (rs139770734, gnomAD 0.02%). This variant has not been reported in the literature in individuals affected with ITGA2B-related conditions. ClinVar contains an entry for this variant (Variation ID: 892303). Invitae Evidence Modeling of protein sequence and biophysical properties (such as structural, functional, and spatial information, amino acid conservation, physicochemical variation, residue mobility, and thermodynamic stability) has been performed for this missense variant. However, the output from this modeling did not meet the statistical confidence thresholds required to predict the impact of this variant on ITGA2B protein function. In summary, the available evidence is currently insufficient to determine the role of this variant in disease. Therefore, it has been classified as a Variant of Uncertain Significance.

PreventionGenetics, part of Exact Sciences
Classification: Uncertain significance for ITGA2B-related condition. Last evaluated: 2025-01-14. Review status: criteria provided, single submitter. Criteria: ACMG Guidelines, 2015. Collection method: clinical testing. Allele origin: germline. Not counted in ClinVar's aggregate classification.
Comment: The ITGA2B c.1628G>A variant is predicted to result in the amino acid substitution p.Arg543Gln. To our knowledge, this variant has not been reported in the literature. This variant is reported in 0.017% of alleles in individuals of European (Non-Finnish) descent in gnomAD. At this time, the clinical significance of this variant is uncertain due to the absence of conclusive functional and genetic evidence.

Blueprint Genetics
Classification: Uncertain significance. Last evaluated: 2024-11-20. Review status: criteria provided, single submitter. Criteria: ACMG Guidelines, 2015. Collection method: clinical testing. Allele origin: germline. Not counted in ClinVar's aggregate classification.

Illumina Laboratory Services, Illumina
Classification: Uncertain significance for Glanzmann thrombasthenia 1. Last evaluated: 2018-01-13. Review status: criteria provided, single submitter. Criteria: ICSL Variant Classification Criteria 13 December 2019. Collection method: clinical testing. Allele origin: germline. Not counted in ClinVar's aggregate classification.